The following is an entry in ClinVar:

ClinVar aggregate classification (germline): Pathogenic (1 of 4 stars; one submission).

Submission:

Labcorp Genetics (formerly Invitae), Labcorp
Classification: Pathogenic. Last evaluated: 2024-02-23. Review status: criteria provided, single submitter. Criteria: Invitae Variant Classification Sherloc (09022015). Collection method: clinical testing. Allele origin: germline.
Comment: This sequence change creates a premature translational stop signal (p.Leu139Profs*11) in the HSD17B3 gene. It is expected to result in an absent or disrupted protein product. Loss-of-function variants in HSD17B3 are known to be pathogenic (PMID: 23796702, 25740850). This variant is not present in population databases (gnomAD no frequency). This variant has not been reported in the literature in individuals affected with HSD17B3-related conditions. For these reasons, this variant has been classified as Pathogenic.

Literature cited by the submitters: PubMed 23796702; PubMed 25740850.

NM_000197.2(HSD17B3):c.415dup (p.Leu139fs)

Genes: HSD17B3 (hydroxysteroid 17-beta dehydrogenase 3; minus strand), SLC35D2-HSD17B3 (SLC35D2-HSD17B3 readthrough; minus strand). Cytogenetic location: 9q22.32.
Variant type: Duplication.
Coding change: c.415dup on transcript NM_000197.2 (MANE Select); coding-DNA position 415, one base duplicated (C; older notation c.415dupC).
Protein change: p.Leu139fs; shifts the reading frame from leucine 139.
Molecular consequence: frameshift variant. On other transcripts: non-coding transcript variant (1).
Genome position (GRCh38, 1-based): chr9:96,251,456, G duplicated on the plus strand (C on the coding strand, the reverse complement: HSD17B3 is on the minus strand). VCF-style (leftmost placement, unchanged base first): chr9-96251455-A-AG. GRCh37 (hg19) VCF-style: chr9-99013737-A-AG.
Other names: short protein forms L139fs.
Identifiers: ClinVar variation 3642919 (VCV003642919.2).